The following is an entry in ClinVar:

ClinVar aggregate classification (germline): Uncertain significance (1 of 4 stars; one submission).

gnomAD v4.1: 12 of 1,613,876 alleles (0.00074%); highest among the groups gnomAD compares: Non-Finnish European, 0.00093%; no homozygotes.

Submission:

Laboratory for Molecular Medicine, Mass General Brigham Personalized Medicine
Classification: Uncertain significance. Last evaluated: 2015-11-19. Review status: criteria provided, single submitter. Criteria: LMM Criteria. Collection method: clinical testing. Allele origin: germline. Observed: 2 variant alleles.
Comment: The p.Asp8516Asn variant in TTN has not been previously reported in individuals with cardiomyopathy, but has been identified in 2/66734 European chromosomes by the Exome Aggregation Consortium (ExAC). Computa tional prediction tools and conservation analysis do not provide strong support for or against an impact to the protein. In summary, the clinical significance o f the p.Asp8516Asn variant is uncertain.

NM_001267550.2(TTN):c.29278G>A (p.Asp9760Asn)

Gene: TTN (titin; minus strand). Cytogenetic location: 2q31.2.
Variant type: single nucleotide variant.
Coding change: c.29278G>A on transcript NM_001267550.2 (MANE Select); coding-DNA position 29278, G replaced by A.
Protein change: p.Asp9760Asn; replaces aspartic acid 9760 with asparagine.
Molecular consequence: missense variant. On other transcripts: intron variant (3).
Genome position (GRCh38, 1-based): chr2:178,706,596, C>T on the plus strand (G>A on the coding strand, the complement: TTN is on the minus strand). VCF-style: chr2-178706596-C-T. GRCh37 (hg19) VCF-style: chr2-179571323-C-T.
Other names: c.28327G>A, p.Asp9443Asn (NM_001256850.1); c.13282+31486G>A (NM_003319.4); c.13858+31486G>A (NM_133437.4); c.13657+31486G>A (NM_133432.3); c.25546G>A, p.Asp8516Asn (NM_133378.4); short protein forms D8516N, D9760N, D9443N.
Identifiers: ClinVar variation 229412 (VCV000229412.5), dbSNP rs372537023, ClinGen allele CA1999415.